The following is an entry in ClinVar:

NM_001042492.3(NF1):c.5108G>C (p.Ser1703Thr)

Gene: NF1 (neurofibromin 1; plus strand). Cytogenetic location: 17q11.2.
Variant type: single nucleotide variant.
Coding change: c.5108G>C on transcript NM_001042492.3 (MANE Select); coding-DNA position 5108, G replaced by C.
Protein change: p.Ser1703Thr; replaces serine 1703 with threonine.
Molecular consequence: missense variant.
Genome position (GRCh38, 1-based): chr17:31,326,092, G>C. VCF-style: chr17-31326092-G-C. GRCh37 (hg19) VCF-style: chr17-29653110-G-C.
Other names: c.5045G>C, p.Ser1682Thr (NM_000267.4); short protein forms S1703T, S1682T.
Identifiers: ClinVar variation 966983 (VCV000966983.6), dbSNP rs876660159, ClinGen allele CA399007633.

ClinVar aggregate classification (germline): Uncertain significance (1 of 4 stars; one submission).

Conditions:
Neurofibromatosis, type 1 (NF1). Also called: Neurofibromatosis, type I; Peripheral type neurofibromatosis; VON RECKLINGHAUSEN DISEASE; NEUROFIBROMATOSIS, TYPE I, SOMATIC. Identifiers: Orphanet 636, MedGen C0027831, MONDO:0018975, OMIM 162200. Disease mechanism: loss of function.

Submission:

Labcorp Genetics (formerly Invitae), Labcorp
Classification: Uncertain significance for Neurofibromatosis, type 1. Last evaluated: 2020-11-18. Review status: criteria provided, single submitter. Criteria: Invitae Variant Classification Sherloc (09022015). Collection method: clinical testing. Allele origin: germline.
Comment: This sequence change replaces serine with threonine at codon 1682 of the NF1 protein (p.Ser1682Thr). The serine residue is moderately conserved and there is a small physicochemical difference between serine and threonine. This variant is not present in population databases (ExAC no frequency). This variant has not been reported in the literature in individuals with NF1-related conditions. Algorithms developed to predict the effect of missense changes on protein structure and function are either unavailable or do not agree on the potential impact of this missense change (SIFT: "Tolerated"; PolyPhen-2: "Possibly Damaging"; Align-GVGD: "Class C0"). In summary, the available evidence is currently insufficient to determine the role of this variant in disease. Therefore, it has been classified as a Variant of Uncertain Significance.